The following is an entry in ClinVar:

NM_020166.5(MCCC1):c.1422_1426delinsAA (p.Gly475_His476delinsAsn)

Gene: MCCC1 (methylcrotonyl-CoA carboxylase subunit 1; minus strand). Cytogenetic location: 3q27.1.
Variant type: Indel.
Coding change: c.1422_1426delinsAA on transcript NM_020166.5 (MANE Select); coding-DNA positions 1422 to 1426, TGGCC replaced by AA.
Protein change: p.Gly475_His476delinsAsn.
Molecular consequence: inframe indel. On other transcripts: non-coding transcript variant (1).
Genome position (GRCh38, 1-based): chr3:183,037,386-183,037,390, GGCCA replaced by TT on the plus strand (TGGCC replaced by AA on the coding strand, the reverse complement: MCCC1 is on the minus strand). VCF-style: chr3-183037386-GGCCA-TT. GRCh37 (hg19) VCF-style: chr3-182755174-GGCCA-TT.
Other names: c.1071_1075delinsAA, p.Gly358_His359delinsAsn (NM_001293273.2); c.1095_1099delinsAA, p.Gly366_His367delinsAsn (NM_001363880.1).
Identifiers: ClinVar variation 565730 (VCV000565730.1), dbSNP rs1560219885, ClinGen allele CA891843303.

ClinVar aggregate classification (germline): Uncertain significance (1 of 4 stars; one submission).

Conditions:
3-methylcrotonyl-CoA carboxylase 1 deficiency (MCC1D). Also called: MCCD TYPE 1; METHYLCROTONYLGLYCINURIA TYPE I; MCC 1 deficiency; 3 Alpha methylcrotonylglycinuria 1. Identifiers: Orphanet 6, MedGen CN028786, MONDO:0008861, OMIM 210200.

Submission:

Labcorp Genetics (formerly Invitae), Labcorp
Classification: Uncertain significance for 3 Methylcrotonyl-CoA carboxylase 1 deficiency. Last evaluated: 2018-02-16. Review status: criteria provided, single submitter. Criteria: Invitae Variant Classification Sherloc (09022015). Collection method: clinical testing. Allele origin: germline.
Comment: This variant, c.1422_1426delinsAA, results in the deletion of 2 amino acids and the insertion of 1 amino acid in the MCCC1 protein (p.Gly475_His476delinsAsn), but otherwise preserves the integrity of the reading frame. This variant is not present in population databases (ExAC no frequency). This variant has not been reported in the literature in individuals with MCCC1-related disease. Experimental studies and prediction algorithms are not available for this variant, and the functional significance of the disrupted amino acids is currently unknown. In summary, the available evidence is currently insufficient to determine the role of this variant in disease. Therefore, it has been classified as a Variant of Uncertain Significance.